The following is an entry in ClinVar:

NM_006031.6(PCNT):c.6730G>A (p.Val2244Met)

Gene: PCNT (pericentrin; plus strand). Cytogenetic location: 21q22.3.
Variant type: single nucleotide variant.
Coding change: c.6730G>A on transcript NM_006031.6 (MANE Select); coding-DNA position 6730, G replaced by A.
Protein change: p.Val2244Met; replaces valine 2244 with methionine.
Molecular consequence: missense variant.
Genome position (GRCh38, 1-based): chr21:46,416,648, G>A. VCF-style: chr21-46416648-G-A. GRCh37 (hg19) VCF-style: chr21-47836562-G-A.
Other names: c.6376G>A, p.Val2126Met (NM_001315529.2); c.6730G>A (NM_006031.5); short protein forms V2126M, V2244M.
Identifiers: ClinVar variation 1522954 (VCV001522954.4), dbSNP rs770515274, ClinGen allele CA10080386.

ClinVar aggregate classification (germline): Uncertain significance. Review status: criteria provided, single submitter (1 of 4 stars). 2 submissions from 2 submitters: Uncertain significance (1). 1 of the submissions does not count toward it. Last evaluated 2022-07-19.

Conditions:
PCNT-related disorder. Also called: PCNT-related condition.

Allele frequency attached by ClinVar (database versions not stated): TOPMed below 0.00001; ExAC 0.00001.
gnomAD v4.1: 17 of 1,565,732 alleles (0.0011%); highest among the groups gnomAD compares: Non-Finnish European, 0.0015%; no homozygotes.

Submissions (2):

Labcorp Genetics (formerly Invitae), Labcorp
Classification: Uncertain significance. Last evaluated: 2022-07-19. Review status: criteria provided, single submitter. Criteria: Invitae Variant Classification Sherloc (09022015). Collection method: clinical testing. Allele origin: germline.
Comment: This sequence change replaces valine, which is neutral and non-polar, with methionine, which is neutral and non-polar, at codon 2244 of the PCNT protein (p.Val2244Met). This variant is present in population databases (rs770515274, gnomAD 0.002%). This variant has not been reported in the literature in individuals affected with PCNT-related conditions. ClinVar contains an entry for this variant (Variation ID: 1522954). Algorithms developed to predict the effect of missense changes on protein structure and function are either unavailable or do not agree on the potential impact of this missense change (SIFT: "Deleterious"; PolyPhen-2: "Benign"; Align-GVGD: "Class C0"). In summary, the available evidence is currently insufficient to determine the role of this variant in disease. Therefore, it has been classified as a Variant of Uncertain Significance.

PreventionGenetics, part of Exact Sciences
Classification: Uncertain significance for PCNT-related condition. Last evaluated: 2024-04-30. Review status: no assertion criteria provided. Collection method: clinical testing. Allele origin: germline. Not counted in ClinVar's aggregate classification.
Comment: The PCNT c.6730G>A variant is predicted to result in the amino acid substitution p.Val2244Met. To our knowledge, this variant has not been reported in the literature. This variant is reported in 0.0021% of alleles in individuals of European (Non-Finnish) descent in gnomAD. At this time, the clinical significance of this variant is uncertain due to the absence of conclusive functional and genetic evidence.